The following is an entry in ClinVar:

ClinVar aggregate classification (germline): Likely pathogenic (1 of 4 stars; one submission).

Conditions:
Glycogen storage disease, type VII (GSD7). Also called: GSD VII; MUSCLE PHOSPHOFRUCTOKINASE DEFICIENCY; PFKM DEFICIENCY; TARUI DISEASE. Identifiers: Orphanet 371, MedGen C0017926, MONDO:0009295, OMIM 232800.

Submission:

Natera, Inc.
Classification: Likely pathogenic for Glycogen storage disease type VII. Last evaluated: 2025-03-20. Review status: criteria provided, single submitter. Criteria: Natera Variant Classification Schema (03/2026). Collection method: clinical testing. Allele origin: germline.
Comment: The c.1566del variant in PFKM is a frameshift variant predicted to shift the reading frame beginning at codon 522 and leads to a stop codon 95 codons downstream. This variant is expected to result in nonsense mediated decay, truncation, or a dysfunctional protein product. This variant is rare in the general population with a frequency below the threshold expected for the associated phenotype(s). Given the available evidence, this variant is classified as Likely Pathogenic.

NM_000289.6(PFKM):c.1566del (p.Phe522fs)

Gene: PFKM (phosphofructokinase, muscle; plus strand). Cytogenetic location: 12q13.11.
Variant type: Deletion.
Coding change: c.1566del on transcript NM_000289.6 (MANE Select); coding-DNA position 1566, one base deleted (T; older notation c.1566delT).
Protein change: p.Phe522fs; shifts the reading frame from phenylalanine 522.
Molecular consequence: frameshift variant. On other transcripts: non-coding transcript variant (6).
Genome position (GRCh38, 1-based): chr12:48,141,979, T deleted; the last of 3 consecutive T bases (chr12:48,141,977-48,141,979); deleting any one gives the same sequence. VCF-style (leftmost placement, unchanged base first): chr12-48141976-AT-A. GRCh37 (hg19) VCF-style: chr12-48535759-AT-A.
Other names: c.1779del, p.Phe593fs (NM_001166686.2, NM_001354737.1, NM_001354738.1 and 1 more transcripts); c.1566del, p.Phe522fs (NM_001166687.2, NM_001166688.2, NM_001354742.2 and 2 more transcripts); c.1875del, p.Phe625fs (NM_001354735.1, NM_001354736.1); c.1710del, p.Phe570fs (NM_001354740.1); c.1590del, p.Phe530fs (NM_001354741.2); c.1479del, p.Phe493fs (NM_001354745.2); c.1440del, p.Phe480fs (NM_001354746.2); c.1416del, p.Phe472fs (NM_001354747.2, NM_001354748.2); and 1 more; short protein forms F472fs, F480fs, F491fs, F493fs, F522fs, F530fs, F570fs, F593fs.
Identifiers: ClinVar variation 4059723 (VCV004059723.2).
Genomic context (GRCh38, chr12:48,141,976, plus strand): 5'-TTACACAGGGGGCCTGGAACTGATGGAGGGCAGGAAGCAGTTTGATGAGCTCTGCATCCC[AT>A]TTGTGGTCATTCCTGCTACAGTCTCCAACAATGTCCCTGGCTCAGACTTCAGCGTTGGGG-3'